The following is an entry in ClinVar:

ClinVar aggregate classification (germline): Uncertain significance (1 of 4 stars; one submission).

Conditions:
Surfactant metabolism dysfunction, pulmonary, 2 (SMDP2). Also called: DESQUAMATIVE INTERSTITIAL PNEUMONITIS DUE TO SURFACTANT PROTEIN C DEFICIENCY; INTERSTITIAL LUNG DISEASE DUE TO SURFACTANT PROTEIN C DEFICIENCY; PULMONARY ALVEOLAR PROTEINOSIS, CONGENITAL, 2. Identifiers: Orphanet 440392, MedGen C1970470, MONDO:0024465, OMIM 610913.

Submission:

3billion
Classification: Uncertain significance for Surfactant metabolism dysfunction, pulmonary, 2. Last evaluated: 2022-09-01. Review status: criteria provided, single submitter. Criteria: ACMG Guidelines, 2015. Collection method: clinical testing. Allele origin: germline. Affected: yes. Observed: 1 heterozygote.
Comment: The variant is not observed in the gnomAD v2.1.1 dataset. Missense changes are a common disease-causing mechanism. In silico tool predictions suggest damaging effect of the variant on gene or gene product (REVEL: 0.94). Same nucleotide change resulting in same amino acid change has been previously reported to be associated with SFTPC-related disorder (PMID: 25105258). However, the evidence of pathogenicity is insufficient at this time. Therefore, this variant is classified as uncertain significance according to the recommendation of ACMG/AMP guideline.

Literature cited by the submitters: PubMed 25105258.

NM_001317778.2(SFTPC):c.187A>G (p.Lys63Glu)

Gene: SFTPC (surfactant protein C; plus strand). Cytogenetic location: 8p21.3.
Variant type: single nucleotide variant.
Coding change: c.187A>G on transcript NM_001317778.2 (MANE Select); coding-DNA position 187, A replaced by G.
Protein change: p.Lys63Glu; replaces lysine 63 with glutamic acid.
Molecular consequence: missense variant. On other transcripts: intron variant (2).
Genome position (GRCh38, 1-based): chr8:22,162,718, A>G. VCF-style: chr8-22162718-A-G. GRCh37 (hg19) VCF-style: chr8-22020231-A-G.
Other names: c.187A>G, p.Lys63Glu (NM_001172357.2, NM_001172410.2, NM_001317780.2 and 8 more transcripts); c.43-362A>G (NM_001385660.1, NM_001317779.2); short protein forms K63E.
Identifiers: ClinVar variation 1705679 (VCV001705679.1), dbSNP rs2538941498, ClinGen allele CA370536980.
Genomic context (GRCh38, chr8:22,162,718, plus strand): 5'-GTGGTCCTCATCGTCGTGGTGATTGTGGGAGCCCTGCTCATGGGTCTCCACATGAGCCAG[A>G]AACACACGGAGATGGTGAGAGGTGTGGGATGCACAGCAGTGGGCACAGGACATGCCAGAC-3'
Protein context (NP_001304707.1, residues 53-73): ALLMGLHMSQ[Lys63Glu]HTEMVLEMSI